The following is an entry in ClinVar:

NM_000553.6(WRN):c.2732+11_2732+13del

Gene: WRN (WRN RecQ like helicase; plus strand). Cytogenetic location: 8p12.
Variant type: Deletion.
Coding change: c.2732+11_2732+13del on transcript NM_000553.6 (MANE Select); bases 11 to 13 of the intron after coding-DNA position 2732, 3 bases deleted (TTT; older notation c.2732+11_2732+13delTTT).
Molecular consequence: intron variant.
Genome position (GRCh38, 1-based): chr8:31,124,634-31,124,636, TTT deleted. VCF-style (leftmost placement, unchanged base first): chr8-31124633-ATTT-A. GRCh37 (hg19) VCF-style: chr8-30982149-ATTT-A.
Identifiers: ClinVar variation 2839921 (VCV002839921.3), dbSNP rs2535995177, ClinGen allele CA2739279674.
Genomic context (GRCh38, chr8:31,124,633, plus strand): 5'-GATGATGGCAAAGATGGAAAAATATCTTCATTCTAGCAGATGTAGGAGACAGTATGTATT[ATTT>A]ATTTTATGCCAATAGTATGGATTTATGGATGATGCTCTTTTAAGACAACAATTTGGCTAA-3'

ClinVar aggregate classification (germline): Uncertain significance (1 of 4 stars; one submission).

Conditions:
Werner syndrome (WRN). Identifiers: Orphanet 902, MedGen C0043119, MONDO:0010196, OMIM 277700.

Submission:

Labcorp Genetics (formerly Invitae), Labcorp
Classification: Uncertain significance for Werner syndrome. Last evaluated: 2023-08-06. Review status: criteria provided, single submitter. Criteria: Invitae Variant Classification Sherloc (09022015). Collection method: clinical testing. Allele origin: germline.
Comment: This variant has not been reported in the literature in individuals affected with WRN-related conditions. In summary, the available evidence is currently insufficient to determine the role of this variant in disease. Therefore, it has been classified as a Variant of Uncertain Significance. Algorithms developed to predict the effect of sequence changes on RNA splicing suggest that this variant may disrupt the consensus splice site. This variant is not present in population databases (gnomAD no frequency). This sequence change falls in intron 22 of the WRN gene. It does not directly change the encoded amino acid sequence of the WRN protein.